The following is an entry in ClinVar:

ClinVar aggregate classification (germline): Uncertain significance (1 of 4 stars; one submission).

Allele frequency attached by ClinVar (database versions not stated): gnomAD exomes below 0.00001; ExAC 0.00001; TOPMed 0.00001; gnomAD 0.00002; 1000 Genomes Project 30x 0.00016; 1000 Genomes Project 0.00020.
gnomAD v4.1: 9 of 1,612,952 alleles (0.00056%); highest among the groups gnomAD compares: South Asian, 0.0033%; no homozygotes.

Submission:

Labcorp Genetics (formerly Invitae), Labcorp
Classification: Uncertain significance. Last evaluated: 2022-05-27. Review status: criteria provided, single submitter. Criteria: Invitae Variant Classification Sherloc (09022015). Collection method: clinical testing. Allele origin: germline.
Comment: In summary, the available evidence is currently insufficient to determine the role of this variant in disease. Therefore, it has been classified as a Variant of Uncertain Significance. Algorithms developed to predict the effect of missense changes on protein structure and function (SIFT, PolyPhen-2, Align-GVGD) all suggest that this variant is likely to be tolerated. This variant has not been reported in the literature in individuals affected with TONSL-related conditions. This variant is present in population databases (rs566416003, gnomAD 0.005%). This sequence change replaces aspartic acid, which is acidic and polar, with asparagine, which is neutral and polar, at codon 496 of the TONSL protein (p.Asp496Asn).

NM_013432.5(TONSL):c.1486G>A (p.Asp496Asn)

Genes: TONSL (tonsoku like, DNA repair protein; minus strand), TONSL-AS1 (TONSL antisense RNA 1; plus strand). Cytogenetic location: 8q24.3.
Variant type: single nucleotide variant.
Coding change: c.1486G>A on transcript NM_013432.5 (MANE Select); coding-DNA position 1486, G replaced by A.
Protein change: p.Asp496Asn; replaces aspartic acid 496 with asparagine.
Molecular consequence: missense variant. On other transcripts: non-coding transcript variant (1).
Genome position (GRCh38, 1-based): chr8:144,438,730, C>T on the plus strand (G>A on the coding strand, the complement: TONSL is on the minus strand). VCF-style: chr8-144438730-C-T. GRCh37 (hg19) VCF-style: chr8-145664113-C-T.
Other names: short protein forms D496N.
Identifiers: ClinVar variation 1932456 (VCV001932456.5), dbSNP rs566416003, ClinGen allele CA4943196.